The following is an entry in ClinVar:

NM_024529.5(CDC73):c.*2950A>G

Gene: CDC73 (cell division cycle 73; plus strand). Cytogenetic location: 1q31.2.
Variant type: single nucleotide variant.
Coding change: c.*2950A>G on transcript NM_024529.5 (MANE Select); 2950 bases downstream of the stop codon, A replaced by G.
Molecular consequence: 3 prime UTR variant.
Genome position (GRCh38, 1-based): chr1:193,253,662, A>G. VCF-style: chr1-193253662-A-G. GRCh37 (hg19) VCF-style: chr1-193222792-A-G.
Identifiers: ClinVar variation 294454 (VCV000294454.6), dbSNP rs144681513, ClinGen allele CA10609234.

ClinVar aggregate classification (germline): Benign. Review status: criteria provided, multiple submitters, no conflicts (2 of 4 stars). 4 submissions from 2 submitters: Benign (4). Last evaluated 2018-01-12.

Conditions:
Hyperparathyroidism 1 (HRPT1). Also called: HYPERPARATHYROIDISM, FAMILIAL ISOLATED PRIMARY. Identifiers: Orphanet 99879, MedGen C1840402, MONDO:0007767, OMIM 145000.
Parathyroid carcinoma (PRTC). Also called: Parathyroid gland carcinoma; CDC73-Related Parathyroid Carcinoma. Identifiers: Orphanet 143, MedGen C0687150, MONDO:0012004, OMIM 608266, HP:0006780.
Hyperparathyroidism 2 with jaw tumors. Also called: Hyperparathyroidism 2; HYPERPARATHYROIDISM, FAMILIAL PRIMARY, WITH MULTIPLE OSSIFYING JAW FIBROMAS; HYPERPARATHYROIDISM-JAW TUMOR SYNDROME, HEREDITARY; Hyperparathyroidism-Jaw Tumor Syndrome. Identifiers: Orphanet 99880, MedGen C1704981, MONDO:0007768, OMIM 145001.

Allele frequency attached by ClinVar (database versions not stated): 1000 Genomes Project 0.01258; 1000 Genomes Project 30x 0.01312; gnomAD 0.01153 and 0.01229; gnomAD exomes 0.01319; TOPMed 0.01186.
gnomAD v4.1: 2,937 of 231,926 alleles (1.3%); highest among the groups gnomAD compares: South Asian, 3.3%; 30 homozygotes.

Submissions (4):

Illumina Laboratory Services, Illumina
Classification: Benign for Hyperparathyroidism 2 with jaw tumors. Last evaluated: 2018-01-12. Review status: criteria provided, single submitter. Criteria: ICSL Variant Classification Criteria 13 December 2019. Collection method: clinical testing. Allele origin: germline.
Comment: This variant was observed in the ICSL laboratory as part of a predisposition screen in an ostensibly healthy population. It had not been previously curated by ICSL or reported in the Human Gene Mutation Database (HGMD: prior to June 1st, 2018), and was therefore a candidate for classification through an automated scoring system. Utilizing variant allele frequency, disease prevalence and penetrance estimates, and inheritance mode, an automated score was calculated to assess if this variant is too frequent to cause the disease. Based on the score and internal cut-off values, a variant classified as benign is not then subjected to further curation. The score for this variant resulted in a classification of benign for this disease.

Illumina Laboratory Services, Illumina
Classification: Benign for Parathyroid carcinoma. Last evaluated: 2018-01-12. Review status: criteria provided, single submitter. Criteria: ICSL Variant Classification Criteria 13 December 2019. Collection method: clinical testing. Allele origin: germline.
Comment: the same text as in the submission from Illumina Laboratory Services, Illumina above.

Illumina Laboratory Services, Illumina
Classification: Benign for Hyperparathyroidism 1. Last evaluated: 2018-01-12. Review status: criteria provided, single submitter. Criteria: ICSL Variant Classification Criteria 13 December 2019. Collection method: clinical testing. Allele origin: germline.
Comment: the same text as in the submission from Illumina Laboratory Services, Illumina above.

Breakthrough Genomics
Classification: Benign. Review status: criteria provided, single submitter. Criteria: ACMG Guidelines, 2015. Collection method: not provided. Allele origin: germline. Inheritance: Autosomal dominant inheritance. Affected: yes.